The following is an entry in ClinVar:

ClinVar aggregate classification (germline): Uncertain significance (1 of 4 stars; one submission).

Submission:

Greenwood Genetic Center Diagnostic Laboratories, Greenwood Genetic Center
Classification: Uncertain significance. Last evaluated: 2023-11-06. Review status: criteria provided, single submitter. Criteria: ACMG Guidelines, 2015. Collection method: clinical testing. Allele origin: germline. Affected: yes.
Comment: PM2

NM_032892.5(FRMD5):c.510_516del (p.Leu171fs)

Gene: FRMD5 (FERM domain containing 5; minus strand). Cytogenetic location: 15q15.3.
Variant type: Deletion.
Coding change: c.510_516del on transcript NM_032892.5 (MANE Select); coding-DNA positions 510 to 516, 7 bases deleted (GCTGGAA; older notation c.510_516delGCTGGAA).
Protein change: p.Leu171fs; shifts the reading frame from leucine 171.
Molecular consequence: frameshift variant. On other transcripts: 5 prime UTR variant (1), non-coding transcript variant (1).
Genome position (GRCh38, 1-based): chr15:43,905,863-43,905,869, TTCCAGC deleted on the plus strand (GCTGGAA on the coding strand, the reverse complement: FRMD5 is on the minus strand); deleting any 7 consecutive bases within chr15:43,905,863-43,905,872 gives the same sequence; the c. name uses the placement nearest the transcript's 3' end. VCF-style (leftmost placement, unchanged base first): chr15-43905862-TTTCCAGC-T. GRCh37 (hg19) VCF-style: chr15-44198060-TTTCCAGC-T.
Other names: c.507_513delGAAGCTG, p.Leu171Glyfs (NM_001031729.1); c.243_249del, p.Leu82fs (NM_001286490.2); c.-104_-98del (NM_001286491.2); c.510_516del, p.Leu171fs (NM_001322949.2, NM_001322950.2, NM_001411124.1); c.405_411del, p.Leu136fs (NM_001322951.2); short protein forms L136fs, L82fs, L171fs.
Identifiers: ClinVar variation 2692442 (VCV002692442.1), dbSNP rs2508542009, ClinGen allele CA2628181346.